The following is an entry in ClinVar:

ClinVar aggregate classification (germline): Likely benign. Review status: criteria provided, multiple submitters, no conflicts (2 of 4 stars). 2 submissions from 2 submitters: Likely benign (2). Last evaluated 2020-01-12.

Conditions:
Progressive sclerosing poliodystrophy (MTDPS4A). Also called: Alpers-Huttenlocher Syndrome (AHS); Alpers Syndrome; ALPERS PROGRESSIVE INFANTILE POLIODYSTROPHY; Mitochondrial DNA depletion syndrome 4A (Alpers type); ALPERS DIFFUSE DEGENERATION OF CEREBRAL GRAY MATTER WITH HEPATIC CIRRHOSIS; Alpers-Huttenlocher Syndrome. Identifiers: Orphanet 726, MedGen C0205710, MONDO:0008758, OMIM 203700.

Allele frequency attached by ClinVar (database versions not stated): gnomAD 0.00021 and 0.00030; gnomAD exomes 0.00031 and 0.00053; TOPMed 0.00034; ExAC 0.00051; 1000 Genomes Project 30x 0.00141; 1000 Genomes Project 0.00160.
gnomAD v4.1: 510 of 1,610,092 alleles (0.032%); highest among the groups gnomAD compares: East Asian, 1%; 7 homozygotes.

Submissions (2):

GeneDx
Classification: Likely benign. Last evaluated: 2020-01-12. Review status: criteria provided, single submitter. Criteria: GeneDx Variant Classification Process June 2021. Collection method: clinical testing. Allele origin: germline. Affected: yes.

Wong Mito Lab, Molecular and Human Genetics, Baylor College of Medicine
Classification: Likely benign for Progressive sclerosing poliodystrophy. Last evaluated: 2018-10-01. Review status: criteria provided, single submitter. Criteria: ACMG Guidelines, 2015. Collection method: clinical testing. Allele origin: germline.
Comment: The NM_002693.2:c.2599-40G>T (NP_002684.1:p.=) [GRCH38: NC_000015.10:g.89321300C>A] variant in POLG gene is interpretated to be a Likely Benign based on ACMG guidelines (PMID: 25741868). This variant meets the following evidence codes reported in the ACMG-guideline. BP4:Computational evidence/predictors indicate no impact on the POLG structure, function, or protein-protein interaction. BP6:Reputable source(s) without shared data suggest the variant is benign. Based on the evidence criteria codes applied, the variant is suggested to be Likely Benign.

NM_002693.3(POLG):c.2599-40G>T

Gene: POLG (DNA polymerase gamma, catalytic subunit; minus strand). Cytogenetic location: 15q26.1.
Variant type: single nucleotide variant.
Coding change: c.2599-40G>T on transcript NM_002693.3 (MANE Select); 40 bases into the intron before coding-DNA position 2599, G replaced by T.
Molecular consequence: intron variant.
Genome position (GRCh38, 1-based): chr15:89,321,300, C>A on the plus strand (G>T on the coding strand, the complement: POLG is on the minus strand). VCF-style: chr15-89321300-C-A. GRCh37 (hg19) VCF-style: chr15-89864531-C-A.
Other names: c.2599-40G>T (NM_001126131.2).
Identifiers: ClinVar variation 619371 (VCV000619371.4), dbSNP rs55792683, ClinGen allele CA7724406.
Genomic context (GRCh38, chr15:89,321,300, plus strand): 5'-CTCACTGCCTACTCGGTCAGGCTGTGGGAAGAGTGAGATACCCAAATGAGACTCTTCCTA[C>A]CCCATTCCTGGAGCCAGAGTTGACTGAGAAAGAGCTAGAGCCTTTCCTGAGGGGATGGCT-3'